The following is an entry in ClinVar:

NM_006031.6(PCNT):c.9087C>T (p.Pro3029=)

Gene: PCNT (pericentrin; plus strand). Cytogenetic location: 21q22.3.
Variant type: single nucleotide variant.
Coding change: c.9087C>T on transcript NM_006031.6 (MANE Select); coding-DNA position 9087, C replaced by T.
Protein change: p.Pro3029=; no amino-acid change (proline 3029 retained).
Molecular consequence: synonymous variant.
Genome position (GRCh38, 1-based): chr21:46,437,069, C>T. VCF-style: chr21-46437069-C-T. GRCh37 (hg19) VCF-style: chr21-47856982-C-T.
Other names: c.9087C>T (NM_006031.5); c.8496C>T, p.Pro2832= (NM_001315529.2).
Identifiers: ClinVar variation 2702079 (VCV002702079.4), dbSNP rs376048442, ClinGen allele CA10081190.
Genomic context (GRCh38, chr21:46,437,069, plus strand): 5'-GAAAGCAGTGATGTCTTTACTGCACACGTTGGAGGAGCTGAAGTCTGACTTGAGCAGGCC[C>T]ACCTCCTCCCAGGTAAGGGGTGAGCGCCCCCAGGTCCCTGGCCTGGCTCCTCCCCCAGAG-3'
Protein context (NP_006022.3, residues 3019-3039): LEELKSDLSR[Pro3029=]TSSQKKMAAE

ClinVar aggregate classification (germline): Likely benign. Review status: criteria provided, multiple submitters, no conflicts (2 of 4 stars). 2 submissions from 2 submitters: Likely benign (2). Last evaluated 2026-02-19.

Conditions:
PCNT-related disorder. Also called: PCNT-related condition.

Allele frequency attached by ClinVar (database versions not stated): gnomAD exomes below 0.00001; TOPMed below 0.00001; gnomAD 0.00001; ExAC 0.00002; ESP Exome Variant Server 0.00008.
gnomAD v4.1: 3 of 1,613,266 alleles (0.00019%); highest among the groups gnomAD compares: Admixed American, 0.0033%; no homozygotes.

Submissions (2):

PreventionGenetics, part of Exact Sciences
Classification: Likely benign for PCNT-related condition. Last evaluated: 2026-02-19. Review status: criteria provided, single submitter. Criteria: ACMG Guidelines, 2015. Collection method: clinical testing. Allele origin: germline.
Comment: This variant is classified as likely benign based on ACMG/AMP sequence variant interpretation guidelines (Richards et al. 2015 PMID: 25741868, with internal and published modifications).

Labcorp Genetics (formerly Invitae), Labcorp
Classification: Likely benign. Last evaluated: 2023-12-10. Review status: criteria provided, single submitter. Criteria: Invitae Variant Classification Sherloc (09022015). Collection method: clinical testing. Allele origin: germline.